The following is an entry in ClinVar:

NM_006516.4(SLC2A1):c.-26G>C

Gene: SLC2A1 (solute carrier family 2 member 1; minus strand). Cytogenetic location: 1p34.2.
Variant type: single nucleotide variant.
Coding change: c.-26G>C on transcript NM_006516.4 (MANE Select); 26 bases upstream of the start codon, G replaced by C.
Molecular consequence: 5 prime UTR variant.
Genome position (GRCh38, 1-based): chr1:42,958,677, C>G on the plus strand (G>C on the coding strand, the complement: SLC2A1 is on the minus strand). VCF-style: chr1-42958677-C-G. GRCh37 (hg19) VCF-style: chr1-43424348-C-G.
Identifiers: ClinVar variation 207178 (VCV000207178.6), dbSNP rs375001117, ClinGen allele CA318408.

ClinVar aggregate classification (germline): Benign. Review status: criteria provided, multiple submitters, no conflicts (2 of 4 stars). 8 submissions from 3 submitters: Benign (8). Last evaluated 2023-04-11.

Conditions:
Hereditary cryohydrocytosis with reduced stomatin. Also called: GLUT1 DEFICIENCY SYNDROME WITH PSEUDOHYPERKALEMIA AND HEMOLYSIS; Stomatin-deficient cryohydrocytosis with neurologic defects. Identifiers: Orphanet 168577, MedGen C1837206, MONDO:0012143, OMIM 608885.
Epilepsy, idiopathic generalized, susceptibility to, 12 (EIG12). Identifiers: MedGen C3553859, MONDO:0013919, OMIM 614847.
Childhood onset GLUT1 deficiency syndrome 2. Also called: GLUT1 deficiency syndrome 2; PxMD-SLC2A1; Exertion-induced paroxysmal dyskinesia; PAROXYSMAL EXERCISE-INDUCED DYSKINESIA WITH OR WITHOUT EPILEPSY AND/OR HEMOLYTIC ANEMIA; PAROXYSMAL EXERTION-INDUCED DYSTONIA WITH OR WITHOUT EPILEPSY AND/OR HEMOLYTIC ANEMIA; PED WITH OR WITHOUT EPILEPSY AND/OR HEMOLYTIC ANEMIA. Identifiers: Orphanet 98811, MedGen C1842534, MONDO:0012805, OMIM 612126.
Encephalopathy due to GLUT1 deficiency. Also called: GLUT1 deficiency syndrome 1, infantile onset, severe; GLUCOSE TRANSPORT DEFECT, BLOOD-BRAIN BARRIER; Classic Glucose Transporter Type 1 Deficiency Syndrome; De Vivo disease; GLUT1 deficiency syndrome 1; Glucose transporter protein syndrome. Identifiers: Orphanet 71277, MedGen C4551966, MONDO:0011724, OMIM 606777.
Dystonia 9 (DYT9). Also called: CHOREOATHETOSIS, KINESIGENIC, WITH EPISODIC ATAXIA AND SPASTICITY. Identifiers: Orphanet 53583, MedGen C1832855, MONDO:0010983, OMIM 601042.

Allele frequency attached by ClinVar (database versions not stated): gnomAD exomes 0.00001 and 0.00014; gnomAD 0.00007 and 0.00009; TOPMed 0.00012; ExAC 0.00016; 1000 Genomes Project 30x 0.00094.
gnomAD v4.1: 88 of 1,534,790 alleles (0.0057%); highest among the groups gnomAD compares: East Asian, 0.062%; 2 homozygotes.

Submissions (8):

Genome-Nilou Lab
Classification: Benign for Epilepsy, idiopathic generalized, susceptibility to, 12. Last evaluated: 2023-04-11. Review status: criteria provided, single submitter. Criteria: ACMG Guidelines, 2015. Collection method: clinical testing. Allele origin: germline. Affected: no.

Genome-Nilou Lab
Classification: Benign for Dystonia 9. Last evaluated: 2023-04-11. Review status: criteria provided, single submitter. Criteria: ACMG Guidelines, 2015. Collection method: clinical testing. Allele origin: germline. Affected: no.

Genome-Nilou Lab
Classification: Benign for Encephalopathy due to GLUT1 deficiency. Last evaluated: 2023-04-11. Review status: criteria provided, single submitter. Criteria: ACMG Guidelines, 2015. Collection method: clinical testing. Allele origin: germline. Affected: no.

Genome-Nilou Lab
Classification: Benign for Childhood onset GLUT1 deficiency syndrome 2. Last evaluated: 2023-04-11. Review status: criteria provided, single submitter. Criteria: ACMG Guidelines, 2015. Collection method: clinical testing. Allele origin: germline. Affected: no.

Genome-Nilou Lab
Classification: Benign for Hereditary cryohydrocytosis with reduced stomatin. Last evaluated: 2023-04-11. Review status: criteria provided, single submitter. Criteria: ACMG Guidelines, 2015. Collection method: clinical testing. Allele origin: germline. Affected: no.

Illumina Laboratory Services, Illumina
Classification: Benign for Encephalopathy due to GLUT1 deficiency. Last evaluated: 2018-01-13. Review status: criteria provided, single submitter. Criteria: ICSL Variant Classification Criteria 13 December 2019. Collection method: clinical testing. Allele origin: germline.
Comment: This variant was observed in the ICSL laboratory as part of a predisposition screen in an ostensibly healthy population. It had not been previously curated by ICSL or reported in the Human Gene Mutation Database (HGMD: prior to June 1st, 2018), and was therefore a candidate for classification through an automated scoring system. Utilizing variant allele frequency, disease prevalence and penetrance estimates, and inheritance mode, an automated score was calculated to assess if this variant is too frequent to cause the disease. Based on the score and internal cut-off values, a variant classified as benign is not then subjected to further curation. The score for this variant resulted in a classification of benign for this disease.

Illumina Laboratory Services, Illumina
Classification: Benign for Dystonia 9. Last evaluated: 2018-01-13. Review status: criteria provided, single submitter. Criteria: ICSL Variant Classification Criteria 13 December 2019. Collection method: clinical testing. Allele origin: germline.
Comment: the same text as in the submission from Illumina Laboratory Services, Illumina above.

GeneDx
Classification: Benign. Last evaluated: 2014-09-12. Review status: criteria provided, single submitter. Criteria: GeneDx Variant Classification (06012015). Collection method: clinical testing. Allele origin: germline. Affected: yes.
Comment: This variant is considered likely benign or benign based on one or more of the following criteria: it is a conservative change, it occurs at a poorly conserved position in the protein, it is predicted to be benign by multiple in silico algorithms, and/or has population frequency not consistent with disease.